The following is an entry in ClinVar:

ClinVar aggregate classification (germline): Likely benign. Review status: criteria provided, single submitter (1 of 4 stars). 2 submissions from 2 submitters: Likely benign (1). 1 of the submissions does not count toward it. Last evaluated 2025-03-17.

Conditions:
Peripheral neuropathy. Also called: Neuropathy. Identifiers: MedGen C0031117, MONDO:0005244, HP:0009830.
FLRT1-related disorder. Also called: FLRT1-related condition.

Allele frequency attached by ClinVar (database versions not stated): gnomAD exomes 0.00017 and 0.00084; gnomAD 0.00019 and 0.00021; TOPMed 0.00045; ExAC 0.00051.
gnomAD v4.1: 274 of 1,612,326 alleles (0.017%); highest among the groups gnomAD compares: Admixed American, 0.44%; 2 homozygotes.

Submissions (2):

Labcorp Genetics (formerly Invitae), Labcorp
Classification: Likely benign for Peripheral neuropathy. Last evaluated: 2025-03-17. Review status: criteria provided, single submitter. Criteria: Invitae Variant Classification Sherloc (09022015). Collection method: clinical testing. Allele origin: germline.

PreventionGenetics, part of Exact Sciences
Classification: Likely benign for FLRT1-related condition. Last evaluated: 2022-09-16. Review status: no assertion criteria provided. Collection method: clinical testing. Allele origin: germline. Not counted in ClinVar's aggregate classification.
Comment: This variant is classified as likely benign based on ACMG/AMP sequence variant interpretation guidelines (Richards et al. 2015 PMID: 25741868, with internal and published modifications).

NM_013280.5(FLRT1):c.1122G>C (p.Glu374Asp)

Genes: FLRT1 (fibronectin leucine rich transmembrane protein 1; plus strand), MACROD1 (mono-ADP ribosylhydrolase 1; minus strand). Cytogenetic location: 11q13.1.
Variant type: single nucleotide variant.
Coding change: c.1122G>C on transcript NM_013280.5 (MANE Select); coding-DNA position 1122, G replaced by C.
Protein change: p.Glu374Asp; replaces glutamic acid 374 with aspartic acid.
Molecular consequence: missense variant. On other transcripts: intron variant (2).
Genome position (GRCh38, 1-based): chr11:64,117,389, G>C. VCF-style: chr11-64117389-G-C. GRCh37 (hg19) VCF-style: chr11-63884861-G-C.
Other names: c.1122G>C, p.Glu374Asp (NM_001384466.1); c.1038G>C, p.Glu346Asp (NM_001423967.1); c.517+33850C>G (NM_001411019.1, NM_014067.4); short protein forms E374D, E346D.
Identifiers: ClinVar variation 1085735 (VCV001085735.11), dbSNP rs748392464, ClinGen allele CA6067621.
Genomic context (GRCh38, chr11:64,117,389, plus strand): 5'-CCTCATGTGCCAGGGCCCTGAGAAGGTCCGGGGCATGGCCATCAAGGACATTACCAGCGA[G>C]ATGGACGAGTGTTTTGAGACGGGGCCGCAGGGCGGCGTGGCCAATGCGGCTGCCAAGACC-3'
Protein context (NP_037412.2, residues 364-384): RGMAIKDITS[Glu374Asp]MDECFETGPQ